The following is an entry in ClinVar:

NM_032888.4(COL27A1):c.3757C>T (p.Arg1253Cys)

Gene: COL27A1 (collagen type XXVII alpha 1 chain; plus strand). Cytogenetic location: 9q32.
Variant type: single nucleotide variant.
Coding change: c.3757C>T on transcript NM_032888.4 (MANE Select); coding-DNA position 3757, C replaced by T.
Protein change: p.Arg1253Cys; replaces arginine 1253 with cysteine.
Molecular consequence: missense variant.
Genome position (GRCh38, 1-based): chr9:114,282,316, C>T. VCF-style: chr9-114282316-C-T. GRCh37 (hg19) VCF-style: chr9-117044596-C-T.
Other names: short protein forms R1253C.
Identifiers: ClinVar variation 2144248 (VCV002144248.2), dbSNP rs141967205, ClinGen allele CA5202594.

ClinVar aggregate classification (germline): Uncertain significance (1 of 4 stars; one submission).

Allele frequency attached by ClinVar (database versions not stated): gnomAD 0.00004; TOPMed 0.00005; gnomAD exomes 0.00007; ExAC 0.00010; ESP Exome Variant Server 0.00015; 1000 Genomes Project 30x 0.00016; 1000 Genomes Project 0.00020.
gnomAD v4.1: 107 of 1,614,040 alleles (0.0066%); highest among the groups gnomAD compares: Middle Eastern, 0.016%; no homozygotes.

Submission:

Labcorp Genetics (formerly Invitae), Labcorp
Classification: Uncertain significance. Last evaluated: 2025-01-13. Review status: criteria provided, single submitter. Criteria: Invitae Variant Classification Sherloc (09022015). Collection method: clinical testing. Allele origin: germline.
Comment: This sequence change replaces arginine, which is basic and polar, with cysteine, which is neutral and slightly polar, at codon 1253 of the COL27A1 protein (p.Arg1253Cys). This variant is present in population databases (rs141967205, gnomAD 0.01%). This variant has not been reported in the literature in individuals affected with COL27A1-related conditions. ClinVar contains an entry for this variant (Variation ID: 2144248). Invitae Evidence Modeling of protein sequence and biophysical properties (such as structural, functional, and spatial information, amino acid conservation, physicochemical variation, residue mobility, and thermodynamic stability) indicates that this missense variant is not expected to disrupt COL27A1 protein function with a negative predictive value of 80%. In summary, the available evidence is currently insufficient to determine the role of this variant in disease. Therefore, it has been classified as a Variant of Uncertain Significance.